The following is an entry in ClinVar:

NM_173076.3(ABCA12):c.6819A>G (p.Val2273=)

Genes: ABCA12 (ATP binding cassette subfamily A member 12; minus strand), SNHG31 (small nucleolar RNA host gene 31; plus strand). Cytogenetic location: 2q35.
Variant type: single nucleotide variant.
Coding change: c.6819A>G on transcript NM_173076.3 (MANE Select); coding-DNA position 6819, A replaced by G.
Protein change: p.Val2273=; no amino-acid change (valine 2273 retained).
Molecular consequence: synonymous variant. On other transcripts: non-coding transcript variant (1).
Genome position (GRCh38, 1-based): chr2:214,950,912, T>C on the plus strand (A>G on the coding strand, the complement: ABCA12 is on the minus strand). VCF-style: chr2-214950912-T-C. GRCh37 (hg19) VCF-style: chr2-215815636-T-C.
Other names: c.5865A>G, p.Val1955= (NM_015657.4).
Identifiers: ClinVar variation 334224 (VCV000334224.16), dbSNP rs139505019, ClinGen allele CA2090822.

ClinVar aggregate classification (germline): Benign/Likely benign. Review status: criteria provided, multiple submitters, no conflicts (2 of 4 stars). 4 submissions from 4 submitters: Benign (1); Likely benign (3). Last evaluated 2026-01-28.

Conditions:
Congenital ichthyosis of skin. Identifiers: MedGen C0020758.

Allele frequency attached by ClinVar (database versions not stated): gnomAD exomes 0.00026 and 0.00058; ExAC 0.00064; gnomAD 0.00213 and 0.00224; ESP Exome Variant Server 0.00223; TOPMed 0.00233; 1000 Genomes Project 0.00260; 1000 Genomes Project 30x 0.00265.
gnomAD v4.1: 719 of 1,614,170 alleles (0.045%); highest among the groups gnomAD compares: African/African-American, 0.67%; 4 homozygotes.

Submissions (4):

Labcorp Genetics (formerly Invitae), Labcorp
Classification: Benign. Last evaluated: 2026-01-28. Review status: criteria provided, single submitter. Criteria: Invitae Variant Classification Sherloc (09022015). Collection method: clinical testing. Allele origin: germline.

Blueprint Genetics
Classification: Likely benign. Last evaluated: 2024-09-13. Review status: criteria provided, single submitter. Criteria: ACMG Guidelines, 2015. Collection method: clinical testing. Allele origin: germline.

Illumina Laboratory Services, Illumina
Classification: Likely benign for Congenital ichthyosis of skin. Last evaluated: 2018-01-13. Review status: criteria provided, single submitter. Criteria: ICSL Variant Classification Criteria 13 December 2019. Collection method: clinical testing. Allele origin: germline.
Comment: This variant was observed in the ICSL laboratory as part of a predisposition screen in an ostensibly healthy population. It had not been previously curated by ICSL or reported in the Human Gene Mutation Database (HGMD: prior to June 1st, 2018), and was therefore a candidate for classification through an automated scoring system. Utilizing variant allele frequency, disease prevalence and penetrance estimates, and inheritance mode, an automated score was calculated to assess if this variant is too frequent to cause the disease. Based on the score and internal cut-off values, a variant classified as likely benign is not then subjected to further curation. The score for this variant resulted in a classification of likely benign for this disease.

Breakthrough Genomics
Classification: Likely benign. Review status: criteria provided, single submitter. Criteria: ACMG Guidelines, 2015. Collection method: not provided. Allele origin: germline. Inheritance: Autosomal recessive inheritance. Affected: yes.